The following is an entry in ClinVar:

NM_000528.4(MAN2B1):c.1383C>A (p.Tyr461Ter)

Genes: MAN2B1 (mannosidase alpha class 2B member 1; minus strand), LOC129391064 (MPRA-validated peak3365 silencer; plus strand). Cytogenetic location: 19p13.13.
Variant type: single nucleotide variant.
Coding change: c.1383C>A on transcript NM_000528.4 (MANE Select); coding-DNA position 1383, C replaced by A.
Protein change: p.Tyr461Ter; replaces tyrosine 461 with a stop codon.
Molecular consequence: nonsense.
Genome position (GRCh38, 1-based): chr19:12,657,482, G>T on the plus strand (C>A on the coding strand, the complement: MAN2B1 is on the minus strand). VCF-style: chr19-12657482-G-T. GRCh37 (hg19) VCF-style: chr19-12768296-G-T.
Other names: c.1380C>A, p.Tyr460Ter (NM_001173498.2); short protein forms Y461*, Y460*.
Identifiers: ClinVar variation 281152 (VCV000281152.29), dbSNP rs775200333, ClinGen allele CA9226480.

ClinVar aggregate classification (germline): Pathogenic. Review status: criteria provided, multiple submitters, no conflicts (2 of 4 stars). 11 submissions from 11 submitters: Pathogenic (11). Last evaluated 2025-11-03.

Conditions:
MAN2B1-related disorder. Also called: MAN2B1-related condition.
Deficiency of alpha-mannosidase (MANSA). Also called: LYSOSOMAL ALPHA-D-MANNOSIDASE DEFICIENCY; Alpha-Mannosidosis; Mannosidosis, alpha-, types I and II. Identifiers: Orphanet 61, MedGen C0024748, MONDO:0009561, OMIM 248500.

Allele frequency attached by ClinVar (database versions not stated): TOPMed 0.00001.

Submissions (11):

Natera, Inc.
Classification: Pathogenic for Alpha-mannosidosis. Last evaluated: 2025-11-03. Review status: criteria provided, single submitter. Criteria: Natera Variant Classification Schema (03/2026). Collection method: clinical testing. Allele origin: germline.
Comment: The c.1383C>A variant in MAN2B1 is a nonsense variant predicted to introduce a stop codon at amino acid 461. This variant is expected to result in nonsense mediated decay, truncation, or a dysfunctional protein product. This variant is rare in the general population with a frequency below the threshold expected for the associated phenotype(s). This variant has been observed in one or more individuals affected with the associated recessive disease, as either homozygous or compound heterozygous with a second variant (PMID: 26048034). Additionally, this variant has been observed to segregate in affected family members (PMID: 26048034). Given the available evidence, this variant is classified as Pathogenic.

PreventionGenetics, part of Exact Sciences
Classification: Pathogenic for MAN2B1-related condition. Last evaluated: 2025-09-20. Review status: criteria provided, single submitter. Criteria: ACMG Guidelines, 2015. Collection method: clinical testing. Allele origin: germline.
Comment: The MAN2B1 c.1383C>A variant is predicted to result in premature protein termination (p.Tyr461*). This variant has been reported along with a second MAN2B1 variant in several individuals with alpha-mannosidosis and in at least one case the variants were confirmed to be in in the compound heterozygous state (Table S1, Riise Stensland et al. 2012. PubMed ID: 22161967; Table S5, Posey et al. 2016. PubMed ID: 27959697). This variant is reported in 0.0044% of alleles in individuals of European (non-Finnish) descent in gnomAD. Nonsense variants in MAN2B1 are expected to be pathogenic. This variant is interpreted as pathogenic.

GeneDx
Classification: Pathogenic. Last evaluated: 2025-08-13. Review status: criteria provided, single submitter. Criteria: GeneDx Variant Classification Process June 2021. Collection method: clinical testing. Allele origin: germline. Affected: yes.
Comment: Nonsense variant predicted to result in protein truncation or nonsense mediated decay in a gene for which loss of function is a known mechanism of disease; Not observed at significant frequency in large population cohorts (gnomAD); This variant is associated with the following publications: (PMID: 17979865, 22161967, 26048034, 34614013, 33147747, 38107468, 34313030)

Labcorp Genetics (formerly Invitae), Labcorp
Classification: Pathogenic for Deficiency of alpha-mannosidase. Last evaluated: 2024-09-11. Review status: criteria provided, single submitter. Criteria: Invitae Variant Classification Sherloc (09022015). Collection method: clinical testing. Allele origin: germline.
Comment: This sequence change creates a premature translational stop signal (p.Tyr461*) in the MAN2B1 gene. It is expected to result in an absent or disrupted protein product. Loss-of-function variants in MAN2B1 are known to be pathogenic (PMID: 9915946, 22161967). The frequency data for this variant in the population databases is considered unreliable, as metrics indicate poor data quality at this position in the gnomAD database. This premature translational stop signal has been observed in individuals with alpha-mannosidosis (PMID: 22161967). ClinVar contains an entry for this variant (Variation ID: 281152). For these reasons, this variant has been classified as Pathogenic.

Fulgent Genetics
Classification: Pathogenic for Deficiency of alpha-mannosidase. Last evaluated: 2024-03-27. Review status: criteria provided, single submitter. Criteria: ACMG Guidelines, 2015. Collection method: clinical testing. Allele origin: germline.

Baylor Genetics
Classification: Pathogenic for Deficiency of alpha-mannosidase. Last evaluated: 2023-03-25. Review status: criteria provided, single submitter. Criteria: ACMG Guidelines, 2015. Collection method: clinical testing. Allele origin: unknown.

Genome-Nilou Lab
Classification: Pathogenic for Deficiency of alpha-mannosidase. Last evaluated: 2021-09-05. Review status: criteria provided, single submitter. Criteria: ACMG Guidelines, 2015. Collection method: clinical testing. Allele origin: germline. Affected: no.

Molecular Genetics, Royal Melbourne Hospital
Classification: Pathogenic for Deficiency of alpha-mannosidase. Last evaluated: 2021-04-09. Review status: criteria provided, single submitter. Criteria: ACMG Guidelines, 2015. Collection method: clinical testing. Allele origin: germline.
Comment: This sequence change creates a premature termination codon at position 461 in exon 11 (of 24) of MAN2B1 (p.(Tyr461*)). It is expected to result in nonsense mediated decay, in a gene where loss of function is an established mechanism of disease (ClinGen). The variant is present in a large population cohort at a frequency of 0.002% (3/172,302 alleles, 0 homozygotes in gnomAD v2.1), but this is based on three alleles in a region of poor coverage. It has been reported in multiple individuals with alpha-mannosidosis with a second pathogenic allele, and segregates with the condition in at least one family (PMID: 22161967, 26048034). Based on the classification scheme RMH Modified ACMG Guidelines v1.3.1, this variant is classified as PATHOGENIC. Following criteria are met: PVS1, PM3_Strong, PP1.

Women's Health and Genetics/Laboratory Corporation of America, LabCorp
Classification: Pathogenic for Deficiency of alpha-mannosidase. Last evaluated: 2020-12-25. Review status: criteria provided, single submitter. Criteria: LabCorp Variant Classification Summary - May 2015. Collection method: clinical testing. Allele origin: germline.
Comment: Variant summary: MAN2B1 c.1383C>A (p.Tyr461X) results in a premature termination codon, predicted to cause a truncation of the encoded protein or absence of the protein due to nonsense mediated decay, which are commonly known mechanisms for disease. Truncations downstream of this position have been classified as pathogenic by our laboratory. The variant allele was found at a frequency of 1.7e-05 in 172302 control chromosomes. c.1383C>A has been reported in the literature in individuals affected with Alpha-Mannosidosis and subsequently cited by others (example, Riise Stensland_2012). These data indicate that the variant is likely to be associated with disease. To our knowledge, no experimental evidence demonstrating an impact on protein function has been reported. Two clinical diagnostic laboratories have submitted clinical-significance assessments for this variant to ClinVar after 2014 without evidence for independent evaluation. All laboratories classified the variant as pathogenic. One submitter cites overlapping evidence utilized in the context of this evaluation. Based on the evidence outlined above, the variant was classified as pathogenic.

Illumina Laboratory Services, Illumina
Classification: Pathogenic for Deficiency of alpha-mannosidase. Last evaluated: 2017-04-28. Review status: criteria provided, single submitter. Criteria: ICSL Variant Classification Criteria 09 May 2019. Collection method: clinical testing. Allele origin: germline.
Comment: The MAN2B1 c.1383C>A (p.Tyr461Ter) variant is a stop-gained variant that has been reported in two studies in which it was found in a total of eight individuals with alpha-mannosidosis (including two sibling pairs) in a compound heterozygous state (Stensland et al 2012; Borgwardt et al. 2015). Control data are not available for this variant, which is reported at a frequency of 0.0001525 in the European (non-Finnish) population of the Exome Aggregation Consortium but this is based on one allele only in a region of poor sequence coverage. Due to the potential impact of stop-gained variants and the supporting evidence, the p.Tyr461Ter variant is classified as pathogenic for alpha-mannosidosis. This variant was observed by ICSL as part of a predisposition screen in an ostensibly healthy population.

Eurofins Ntd Llc (ga)
Classification: Pathogenic. Last evaluated: 2015-12-11. Review status: criteria provided, single submitter. Criteria: EGL Classification Definitions 2015. Collection method: clinical testing. Allele origin: germline. Observed: 3 variant alleles, 3 heterozygotes.

Literature cited by the submitters: PubMed 26048034 (cited by 4 submitters); PubMed 9915946 (cited by Labcorp Genetics (formerly Invitae), Labcorp); PubMed 22161967 (cited by 4 submitters); PubMed 27959697 (cited by Women's Health and Genetics/Laboratory Corporation of America, LabCorp).